The following is an entry in ClinVar:

ClinVar aggregate classification (germline): Likely pathogenic (1 of 4 stars; one submission).

Submission:

GeneDx
Classification: Likely pathogenic. Last evaluated: 2016-07-20. Review status: criteria provided, single submitter. Criteria: GeneDx Variant Classification (06012015). Collection method: clinical testing. Allele origin: germline. Affected: yes.
Comment: The I449F variant in the EIF2B5 gene has not been reported previously as a pathogenic variant, nor as a benign variant, to our knowledge. This variant was not observed in approximately 6500 individuals of European and African American ancestry in the NHLBI Exome Sequencing Project, indicating it is not a common benign variant in these populations. Although the I449 variant is a conservative amino acid substitution which occurs at a position where amino acids with similar properties to Isoleucine are tolerated across species, in silico analysis predicts this variant is probably damaging to the protein structure/function. The I449F is a strong candidate for a pathogenic variant, however the possibility it may be a rare benign variant cannot be excluded.

NM_003907.3(EIF2B5):c.1345A>T (p.Ile449Phe)

Gene: EIF2B5 (eukaryotic translation initiation factor 2B subunit epsilon; plus strand). Cytogenetic location: 3q27.1.
Variant type: single nucleotide variant.
Coding change: c.1345A>T on transcript NM_003907.3 (MANE Select); coding-DNA position 1345, A replaced by T.
Protein change: p.Ile449Phe; replaces isoleucine 449 with phenylalanine.
Molecular consequence: missense variant.
Genome position (GRCh38, 1-based): chr3:184,142,279, A>T. VCF-style: chr3-184142279-A-T. GRCh37 (hg19) VCF-style: chr3-183860067-A-T.
Other names: short protein forms I449F.
Identifiers: ClinVar variation 421630 (VCV000421630.2), dbSNP rs1064795263, ClinGen allele CA16617856.